The following is an entry in ClinVar:

NM_000362.5(TIMP3):c.*2313C>A

Genes: SYN3 (synapsin III; minus strand), TIMP3 (TIMP metallopeptidase inhibitor 3; plus strand). Cytogenetic location: 22q12.3.
Variant type: single nucleotide variant.
Coding change: c.*2313C>A on transcript NM_000362.5 (MANE Select); 2313 bases downstream of the stop codon, C replaced by A.
Molecular consequence: 3 prime UTR variant. On other transcripts: intron variant (7).
Genome position (GRCh38, 1-based): chr22:32,861,690, C>A. VCF-style: chr22-32861690-C-A. GRCh37 (hg19) VCF-style: chr22-33257677-C-A.
Other names: c.708+3225G>T (NM_001369909.1, NM_001135774.2, NM_001369910.1); c.711+3225G>T (NM_001369907.1, NM_003490.4, NM_001369908.1 and 1 more transcripts).
Identifiers: ClinVar variation 341385 (VCV000341385.5), dbSNP rs575977740, ClinGen allele CA10645383.

ClinVar aggregate classification (germline): Benign (1 of 4 stars; one submission).

Conditions:
Sorsby fundus dystrophy (SFD). Also called: MACULAR DYSTROPHY, HEMORRHAGIC; Sorsby fundus dystrophy, Lavia type; FUNDUS DYSTROPHY, PSEUDOINFLAMMATORY, OF SORSBY. Identifiers: Orphanet 59181, MedGen C1850938, MONDO:0007640, OMIM 136900.

Allele frequency attached by ClinVar (database versions not stated): TOPMed 0.00018; gnomAD 0.00028 and 0.00044; 1000 Genomes Project 30x 0.00094; 1000 Genomes Project 0.00100.

Submission:

Illumina Laboratory Services, Illumina
Classification: Benign for Sorsby fundus dystrophy. Last evaluated: 2018-01-13. Review status: criteria provided, single submitter. Criteria: ICSL Variant Classification Criteria 13 December 2019. Collection method: clinical testing. Allele origin: germline.
Comment: This variant was observed in the ICSL laboratory as part of a predisposition screen in an ostensibly healthy population. It had not been previously curated by ICSL or reported in the Human Gene Mutation Database (HGMD: prior to June 1st, 2018), and was therefore a candidate for classification through an automated scoring system. Utilizing variant allele frequency, disease prevalence and penetrance estimates, and inheritance mode, an automated score was calculated to assess if this variant is too frequent to cause the disease. Based on the score and internal cut-off values, a variant classified as benign is not then subjected to further curation. The score for this variant resulted in a classification of benign for this disease.